The following is an entry in ClinVar:

NM_000082.4(ERCC8):c.600dup (p.Ile201fs)

Gene: ERCC8 (ERCC excision repair 8, CSA ubiquitin ligase complex subunit; minus strand). Cytogenetic location: 5q12.1.
Variant type: Duplication.
Coding change: c.600dup on transcript NM_000082.4 (MANE Select); coding-DNA position 600, one base duplicated (T; older notation c.600dupT).
Protein change: p.Ile201fs; shifts the reading frame from isoleucine 201.
Molecular consequence: frameshift variant.
Genome position (GRCh38, 1-based): chr5:60,902,459, A duplicated on the plus strand (T on the coding strand, the reverse complement: ERCC8 is on the minus strand). VCF-style (leftmost placement, unchanged base first): chr5-60902458-T-TA. GRCh37 (hg19) VCF-style: chr5-60198285-T-TA.
Other names: c.426dup, p.Ile143fs (NM_001007233.3); c.141dup, p.Ile48fs (NM_001290285.2); c.600dupT (NM_000082.3, NM_000082.4); short protein forms I48fs, I201fs, I143fs.
Identifiers: ClinVar variation 553300 (VCV000553300.17), dbSNP rs1468231556, ClinGen allele CA559820642.
Genomic context (GRCh38, chr5:60,902,458, plus strand): 5'-TATTATTAATTACTAACTTCAAAAGCAAATAAGTTAAATTTTACCTTGCTGTTGCCAAGA[T>TA]ATAGTCATAACGTGGAGACCAGGAAACTGCTAATATTTCTTGTCTGTGACCTGCAAATAC-3'

ClinVar aggregate classification (germline): Pathogenic. Review status: criteria provided, multiple submitters, no conflicts (2 of 4 stars). 7 submissions from 7 submitters: Pathogenic (6). 1 of the submissions does not count toward it. Last evaluated 2026-06-25.

Conditions:
Cockayne syndrome. Identifiers: Orphanet 191, MedGen C0009207, MONDO:0016006.
Cockayne syndrome type 1. Also called: Cockayne syndrome type I; Cockayne syndrome classical; Cockayne syndrome classic form. Identifiers: Orphanet 191, Orphanet 90321, MedGen C0751039, MONDO:0019569, OMIM 216400.
UV-sensitive syndrome 2 (UVSS2). Identifiers: Orphanet 178338, MedGen C3553298, MONDO:0013829, OMIM 614621.

Allele frequency attached by ClinVar (database versions not stated): TOPMed 0.00005; gnomAD 0.00001 and 0.00002.

Submissions (7):

Women's Health and Genetics/Laboratory Corporation of America, LabCorp
Classification: Pathogenic for Cockayne syndrome. Last evaluated: 2026-06-25. Review status: criteria provided, single submitter. Criteria: LabCorp Variant Classification Summary - May 2015. Collection method: clinical testing. Allele origin: germline.
Comment: Variant summary: ERCC8 c.600dupT (p.Ile201TyrfsX8) results in a premature termination codon, predicted to cause a truncation of the encoded protein or absence of the protein due to nonsense mediated decay, which are commonly known mechanisms for disease. The variant was absent in 251160 control chromosomes. c.600dupT has been observed in at least one homozygous individual(s) affected with ERCC8-related conditions (Osaka_2021). These data indicate that the variant may be associated with disease. To our knowledge, no experimental evidence demonstrating an impact on protein function has been reported. The following publication has been ascertained in the context of this evaluation (PMID: 34105807).ClinVar contains an entry for this variant (Variation ID: 553300). Based on the evidence outlined above, the variant was classified as pathogenic.

Labcorp Genetics (formerly Invitae), Labcorp
Classification: Pathogenic. Last evaluated: 2026-01-20. Review status: criteria provided, single submitter. Criteria: Invitae Variant Classification Sherloc (09022015). Collection method: clinical testing. Allele origin: germline.
Comment: This sequence change creates a premature translational stop signal (p.Ile201Tyrfs*8) in the ERCC8 gene. It is expected to result in an absent or disrupted protein product. Loss-of-function variants in ERCC8 are known to be pathogenic (PMID: 29572252). This variant is present in population databases (no rsID available, gnomAD no frequency). This premature translational stop signal has been observed in individual(s) with Cockayne syndrome (PMID: 22829088). ClinVar contains an entry for this variant (Variation ID: 553300). For these reasons, this variant has been classified as Pathogenic.

Variantyx, Inc.
Classification: Pathogenic for Cockayne syndrome type 1. Last evaluated: 2025-03-24. Review status: criteria provided, single submitter. Criteria: Variantyx Assertion Criteria 2022. Collection method: clinical testing. Allele origin: maternal. Inheritance: Autosomal recessive inheritance.
Comment: This is a frameshift variant in the ERCC8 gene. Pathogenic variants in his gene have been associated with autosomal recessive Cockayne syndrome, type A. This variant introduces a premature termination codon in exon 7 out of 12 and is expected to result in loss of function, which is a known disease mechanism for ERCC8 (PMID: 19894250, 21108394). This variant is present with a maximum allelic frequency of 0.001973 in the non-founder populations (PM2). Additionally, this variant has been reported in the homozygous state in individuals with CSA (PMID: 22829088, 34105807). Based on current evidence, this variant is classified as pathogenic for Cockayne syndrome, type A.

Fulgent Genetics
Classification: Pathogenic for Cockayne syndrome type 1; UV-sensitive syndrome 2. Last evaluated: 2024-01-11. Review status: criteria provided, single submitter. Criteria: ACMG Guidelines, 2015. Collection method: clinical testing. Allele origin: germline.

GeneDx
Classification: Pathogenic. Last evaluated: 2023-02-07. Review status: criteria provided, single submitter. Criteria: GeneDx Variant Classification Process June 2021. Collection method: clinical testing. Allele origin: germline. Affected: yes.
Comment: Frameshift variant predicted to result in protein truncation or nonsense mediated decay in a gene for which loss-of-function is a known mechanism of disease; Not observed at a significant frequency in large population cohorts (gnomAD); This variant is associated with the following publications: (PMID: 34105807, 22829088, 31589614)

Dasa
Classification: Pathogenic for Cockayne syndrome type 1. Last evaluated: 2022-01-05. Review status: criteria provided, single submitter. Criteria: ACMG Guidelines, 2015. Collection method: clinical testing. Allele origin: germline. Affected: yes. Observed: 1 variant allele.
Comment: The c.600dup;p.(Ile201Tyrfs*8) is a null frameshift variant (NMD) in the ERCC8 gene and predicts alteration of the nonsense-mediate decay - NMD is present in a relevantexon to the transcript -PVS1. This sequence change has been observed in affected individual(s) and ClinVar contains an entry for this variant (ClinVar ID: 553300) - PS4. The variant is present at low allele frequencies population databases (rs1468231556– gnomAD 0.001973%; ABraOM no frequency) - PM2_supporting. The p.(Ile201Tyrfs*8) was detected homozygous state in analyzed sample -PM3. In summary, the currently available evidence indicates that the variant is pathogenic.

Counsyl
Classification: Likely pathogenic for Cockayne syndrome type 1. Last evaluated: 2017-08-23. Review status: no assertion criteria provided. Collection method: clinical testing. Allele origin: unknown. Not counted in ClinVar's aggregate classification.

Literature cited by the submitters: PubMed 34105807 (cited by Women's Health and Genetics/Laboratory Corporation of America, LabCorp and Variantyx, Inc.); PubMed 29572252 (cited by Labcorp Genetics (formerly Invitae), Labcorp); PubMed 22829088 (cited by Labcorp Genetics (formerly Invitae), Labcorp and Counsyl); PubMed 19894250 (cited by Variantyx, Inc.); PubMed 21108394 (cited by Variantyx, Inc.); PubMed 2829088 (cited by Variantyx, Inc.).